The following is an entry in ClinVar:

ClinVar aggregate classification (germline): Uncertain significance (1 of 4 stars; one submission).

Conditions:
Combined immunodeficiency due to DOCK8 deficiency (HIES2). Also called: HIES autosomal recessive; DOCK8 Deficiency; Hyper-IgE recurrent infection syndrome, autosomal recessive; HYPER-IgE RECURRENT INFECTION SYNDROME 2, AUTOSOMAL RECESSIVE; HYPER-IgE SYNDROME 2, AUTOSOMAL RECESSIVE, WITH RECURRENT INFECTIONS. Identifiers: Orphanet 217390, MedGen C4722305, MONDO:0009478, OMIM 243700.

gnomAD v4.1: 1 of 1,614,170 alleles (0.000062%); highest among the groups gnomAD compares: Admixed American, 0.0017%; no homozygotes.

Submission:

Labcorp Genetics (formerly Invitae), Labcorp
Classification: Uncertain significance for Combined immunodeficiency due to DOCK8 deficiency. Last evaluated: 2025-12-08. Review status: criteria provided, single submitter. Criteria: Invitae Variant Classification Sherloc (09022015). Collection method: clinical testing. Allele origin: germline.
Comment: This sequence change replaces glycine, which is neutral and non-polar, with cysteine, which is neutral and slightly polar, at codon 434 of the DOCK8 protein (p.Gly434Cys). This variant is present in population databases (no rsID available, gnomAD 0.003%). This variant has not been reported in the literature in individuals affected with DOCK8-related conditions. ClinVar contains an entry for this variant (Variation ID: 2142778). Invitae Evidence Modeling of protein sequence and biophysical properties (such as structural, functional, and spatial information, amino acid conservation, physicochemical variation, residue mobility, and thermodynamic stability) indicates that this missense variant is not expected to disrupt DOCK8 protein function with a negative predictive value of 80%. In summary, the available evidence is currently insufficient to determine the role of this variant in disease. Therefore, it has been classified as a Variant of Uncertain Significance.

NM_203447.4(DOCK8):c.1300G>T (p.Gly434Cys)

Gene: DOCK8 (dedicator of cytokinesis 8; plus strand). Cytogenetic location: 9p24.3.
Variant type: single nucleotide variant.
Coding change: c.1300G>T on transcript NM_203447.4 (MANE Select); coding-DNA position 1300, G replaced by T.
Protein change: p.Gly434Cys; replaces glycine 434 with cysteine.
Molecular consequence: missense variant.
Genome position (GRCh38, 1-based): chr9:336,596, G>T. VCF-style: chr9-336596-G-T. GRCh37 (hg19) VCF-style: chr9-336596-G-T.
Other names: c.1096G>T, p.Gly366Cys (NM_001190458.2, NM_001193536.2); short protein forms G434C, G366C.
Identifiers: ClinVar variation 2142778 (VCV002142778.4), dbSNP rs1470144770, ClinGen allele CA372753195.
Genomic context (GRCh38, chr9:336,596, plus strand): 5'-TTGAACAGAAAGGCATACTTTGGAGTGACAATTGTTTTTCTTAAAGGGAGAAGCTCAGTG[G>T]GTGAACGGAGGACATTGGCCCAATCTAGAAGGCTTTCTGAAAGAGCCCTCTCCTTGGAGG-3'
Protein context (NP_982272.2, residues 424-444): VDSVVGRSSV[Gly434Cys]ERRTLAQSRR